The following is an entry in ClinVar:

ClinVar aggregate classification (germline): Uncertain significance (1 of 4 stars; one submission).

Conditions:
Hereditary sensory and autonomic neuropathy type 6. Also called: HSAN VI; Neuropathy, hereditary sensory and autonomic, type VI. Identifiers: Orphanet 314381, MedGen C3539003, MONDO:0013839, OMIM 614653.
Epidermolysis bullosa simplex 3, localized or generalized intermediate, with BP230 deficiency (EBS3). Also called: Epidermolysis bullosa simplex due to BP230 deficiency; Epidermolysis bullosa simplex, autosomal recessive 2. Identifiers: Orphanet 412181, MedGen C3809470, MONDO:0014180, OMIM 615425.

Submission:

Labcorp Genetics (formerly Invitae), Labcorp
Classification: Uncertain significance for Epidermolysis bullosa simplex 3, localized or generalized intermediate, with BP230 deficiency; Hereditary sensory and autonomic neuropathy type 6. Last evaluated: 2022-11-28. Review status: criteria provided, single submitter. Criteria: Invitae Variant Classification Sherloc (09022015). Collection method: clinical testing. Allele origin: germline.
Comment: In summary, the available evidence is currently insufficient to determine the role of this variant in disease. Therefore, it has been classified as a Variant of Uncertain Significance. The DST gene has multiple clinically relevant transcripts. This variant occurs in alternate transcript NM_015548.4, and corresponds to NM_001723.5:c.*58194T>G in the primary transcript. This sequence change replaces valine, which is neutral and non-polar, with glycine, which is neutral and non-polar, at codon 2256 of the DST protein (p.Val2256Gly). This variant is not present in population databases (gnomAD no frequency). This variant has not been reported in the literature in individuals affected with DST-related conditions. Experimental studies and prediction algorithms are not available or were not evaluated, and the functional significance of this variant is currently unknown.

NM_001374736.1(DST):c.14636T>G (p.Val4879Gly)

Gene: DST (dystonin; minus strand). Cytogenetic location: 6p12.1.
Variant type: single nucleotide variant.
Coding change: c.14636T>G on transcript NM_001374736.1 (MANE Select); coding-DNA position 14636, T replaced by G.
Protein change: p.Val4879Gly; replaces valine 4879 with glycine.
Molecular consequence: missense variant.
Genome position (GRCh38, 1-based): chr6:56,557,323, A>C on the plus strand (T>G on the coding strand, the complement: DST is on the minus strand). VCF-style: chr6-56557323-A-C. GRCh37 (hg19) VCF-style: chr6-56422121-A-C.
Other names: c.8279T>G, p.Val2760Gly (NM_001144769.5); c.7865T>G, p.Val2622Gly (NM_001144770.2); c.14636T>G, p.Val4879Gly (NM_001374722.1); c.14003T>G, p.Val4668Gly (NM_001374729.1); c.7745T>G, p.Val2582Gly (NM_001374730.1, NM_001386100.1, NM_183380.4); c.14663T>G, p.Val4888Gly (NM_001374734.1); c.6767T>G, p.Val2256Gly (NM_015548.5); short protein forms V2256G, V2582G, V2622G, V2760G, V4668G, V4879G, V4888G.
Identifiers: ClinVar variation 1017401 (VCV001017401.7), dbSNP rs2097442163, ClinGen allele CA364520732.
Genomic context (GRCh38, chr6:56,557,323, plus strand): 5'-GGTCTCAGTAAGTCAAATTGCTATGCACGAGAGACAGGTTATTAGGTAATACTCACCTGC[A>C]CCTGCTGCCTTTGTGTGTTTAGCATATTTGGGTCAATTGACAAGGGCCCAAGAACACTGA-3'
Protein context (NP_001361665.1, residues 4869-4889): PNMLNTQRQQ[Val4879Gly]QILLQEFATR